The following is an entry in ClinVar:

ClinVar aggregate classification (germline): Likely benign (0 of 4 stars; one submission).

Conditions:
ATAD1-related disorder. Also called: ATAD1-related condition.

Allele frequency attached by ClinVar (database versions not stated): TOPMed 0.00024; gnomAD 0.00027; ESP Exome Variant Server 0.00031; ExAC 0.00051; gnomAD exomes 0.00057.
gnomAD v4.1: 873 of 1,612,190 alleles (0.054%); highest among the groups gnomAD compares: South Asian, 0.12%; 1 homozygote.

Submission:

PreventionGenetics, part of Exact Sciences
Classification: Likely benign for ATAD1-related condition. Last evaluated: 2019-06-27. Review status: no assertion criteria provided. Collection method: clinical testing. Allele origin: germline.
Comment: This variant is classified as likely benign based on ACMG/AMP sequence variant interpretation guidelines (Richards et al. 2015 PMID: 25741868, with internal and published modifications).

NM_001321967.2(ATAD1):c.*2A>T

Gene: ATAD1 (ATPase family AAA domain containing 1; minus strand). Cytogenetic location: 10q23.31.
Variant type: single nucleotide variant.
Coding change: c.*2A>T on transcript NM_001321967.2 (MANE Select); 2 bases downstream of the stop codon, A replaced by T.
Molecular consequence: 3 prime UTR variant. On other transcripts: non-coding transcript variant (1).
Genome position (GRCh38, 1-based): chr10:87,754,685, T>A on the plus strand (A>T on the coding strand, the complement: ATAD1 is on the minus strand). VCF-style: chr10-87754685-T-A. GRCh37 (hg19) VCF-style: chr10-89514442-T-A.
Other names: c.*2A>T (NM_001321968.2, NM_001321969.2, NM_032810.4).
Identifiers: ClinVar variation 3042595 (VCV003042595.2), dbSNP rs150121323, ClinGen allele CA5589889.